The following is an entry in ClinVar:

ClinVar aggregate classification (germline): Likely pathogenic (1 of 4 stars; one submission).

Submission:

GeneDx
Classification: Likely pathogenic. Last evaluated: 2022-10-31. Review status: criteria provided, single submitter. Criteria: GeneDx Variant Classification Process June 2021. Collection method: clinical testing. Allele origin: germline. Affected: yes.
Comment: Nonsense variant predicted to result in protein truncation, as the last 123 amino acids are lost, and other loss-of-function variants have been reported downstream in HGMD; Not observed at significant frequency in large population cohorts (gnomAD); Observed in an individual with cafe-au-lait spots with negative NF1 genetic testing (Brems et al., 2007); This variant is associated with the following publications: (PMID: 17704776)

NM_152594.3(SPRED1):c.964A>T (p.Lys322Ter)

Gene: SPRED1 (sprouty related EVH1 domain containing 1; plus strand). Cytogenetic location: 15q14.
Variant type: single nucleotide variant.
Coding change: c.964A>T on transcript NM_152594.3 (MANE Select); coding-DNA position 964, A replaced by T.
Protein change: p.Lys322Ter; replaces lysine 322 with a stop codon.
Molecular consequence: nonsense.
Genome position (GRCh38, 1-based): chr15:38,351,293, A>T. VCF-style: chr15-38351293-A-T. GRCh37 (hg19) VCF-style: chr15-38643494-A-T.
Other names: short protein forms K322*.
Identifiers: ClinVar variation 2500684 (VCV002500684.1), dbSNP rs2542743264, ClinGen allele CA391933642.